The following is an entry in ClinVar:

ClinVar aggregate classification (germline): Uncertain significance. Review status: criteria provided, multiple submitters, no conflicts (2 of 4 stars). 2 submissions from 2 submitters: Uncertain significance (2). Last evaluated 2023-05-05.

Conditions:
Inborn genetic diseases. Identifiers: MedGen C0950123, MeSH D030342.

Allele frequency attached by ClinVar (database versions not stated): gnomAD 0.00001; gnomAD exomes 0.00001.
gnomAD v4.1: 11 of 1,613,696 alleles (0.00068%); highest among the groups gnomAD compares: Non-Finnish European, 0.00085%; no homozygotes.

Submissions (2):

Labcorp Genetics (formerly Invitae), Labcorp
Classification: Uncertain significance. Last evaluated: 2023-05-05. Review status: criteria provided, single submitter. Criteria: Invitae Variant Classification Sherloc (09022015). Collection method: clinical testing. Allele origin: germline.
Comment: This variant is present in population databases (no rsID available, gnomAD 0.0009%). This sequence change replaces alanine, which is neutral and non-polar, with serine, which is neutral and polar, at codon 2170 of the ATR protein (p.Ala2170Ser). This variant has not been reported in the literature in individuals affected with ATR-related conditions. In summary, the available evidence is currently insufficient to determine the role of this variant in disease. Therefore, it has been classified as a Variant of Uncertain Significance. An algorithm developed to predict the effect of missense changes on protein structure and function (PolyPhen-2) suggests that this variant¬† is likely to be tolerated. ClinVar contains an entry for this variant (Variation ID: 1753943).

Ambry Genetics
Classification: Uncertain significance for Inborn genetic diseases. Last evaluated: 2021-06-30. Review status: criteria provided, single submitter. Criteria: Ambry Variant Classification Scheme 2023. Collection method: clinical testing. Allele origin: germline.
Comment: The p.A2170S variant (also known as c.6508G>T), located in coding exon 38 of the ATR gene, results from a G to T substitution at nucleotide position 6508. The alanine at codon 2170 is replaced by serine, an amino acid with similar properties. This amino acid position is conserved. In addition, this alteration is predicted to be tolerated by in silico analysis. Since supporting evidence is limited at this time, the clinical significance of this alteration remains unclear.

NM_001184.4(ATR):c.6508G>T (p.Ala2170Ser)

Gene: ATR (ATR checkpoint kinase; minus strand). Cytogenetic location: 3q23.
Variant type: single nucleotide variant.
Coding change: c.6508G>T on transcript NM_001184.4 (MANE Select); coding-DNA position 6508, G replaced by T.
Protein change: p.Ala2170Ser; replaces alanine 2170 with serine.
Molecular consequence: missense variant.
Genome position (GRCh38, 1-based): chr3:142,469,381, C>A on the plus strand (G>T on the coding strand, the complement: ATR is on the minus strand). VCF-style: chr3-142469381-C-A. GRCh37 (hg19) VCF-style: chr3-142188223-C-A.
Other names: c.6316G>T, p.Ala2106Ser (NM_001354579.2); short protein forms A2170S, A2106S.
Identifiers: ClinVar variation 1753943 (VCV001753943.3), dbSNP rs1001744737, ClinGen allele CA84733276.